The following is an entry in ClinVar:

NM_000321.3(RB1):c.1499-18T>C

Gene: RB1 (RB transcriptional corepressor 1; plus strand). Cytogenetic location: 13q14.2.
Variant type: single nucleotide variant.
Coding change: c.1499-18T>C on transcript NM_000321.3 (MANE Select); 18 bases into the intron before coding-DNA position 1499, T replaced by C.
Molecular consequence: intron variant.
Genome position (GRCh38, 1-based): chr13:48,381,229, T>C. VCF-style: chr13-48381229-T-C. GRCh37 (hg19) VCF-style: chr13-48955365-T-C.
Other names: c.1499-18T>C (NM_001407165.1, NM_001407166.1).
Identifiers: ClinVar variation 4876047 (VCV004876047.1).

ClinVar aggregate classification (germline): Likely benign (1 of 4 stars; one submission).

Conditions:
Retinoblastoma (RB1). Also called: RETINOBLASTOMA, SOMATIC. Identifiers: Orphanet 790, MedGen C0035335, MeSH D012175, MONDO:0008380, OMIM 180200, HP:0009919. Disease mechanism: loss of function. Inheritance: Both sporadic and heritable forms are tested..

Submission:

Myriad Genetics, Inc.
Classification: Likely benign for Retinoblastoma. Last evaluated: 2026-06-18. Review status: criteria provided, single submitter. Criteria: Myriad Autosomal Dominant, Autosomal Recessive and X-Linked Classification Criteria (2023). Collection method: clinical testing. Allele origin: unknown.
Comment: This variant is considered likely benign. This variant is intronic and is not expected to impact mRNA splicing.